The following is an entry in ClinVar:

NM_001040142.2(SCN2A):c.4849A>G (p.Lys1617Glu)

Gene: SCN2A (sodium voltage-gated channel alpha subunit 2; plus strand). Cytogenetic location: 2q24.3.
Variant type: single nucleotide variant.
Coding change: c.4849A>G on transcript NM_001040142.2 (MANE Select); coding-DNA position 4849, A replaced by G.
Protein change: p.Lys1617Glu; replaces lysine 1617 with glutamic acid.
Molecular consequence: missense variant.
Genome position (GRCh38, 1-based): chr2:165,388,655, A>G. VCF-style: chr2-165388655-A-G. GRCh37 (hg19) VCF-style: chr2-166245165-A-G.
Other names: c.4849A>G, p.Lys1617Glu (NM_001040143.2, NM_001371246.1, NM_001371247.1 and 1 more transcripts); short protein forms K1617E.
Identifiers: ClinVar variation 3759077 (VCV003759077.2).
Genomic context (GRCh38, chr2:165,388,655, plus strand): 5'-AACAATATTTTTGTTATTTGTTGATTTTCTACAGGAATGTTTCTGGCTGAACTGATAGAA[A>G]AGTATTTTGTGTCCCCTACCCTGTTCCGAGTGATCCGTCTTGCCAGGATTGGCCGAATCC-3'
Protein context (NP_001035232.1, residues 1607-1627): VGMFLAELIE[Lys1617Glu]YFVSPTLFRV

ClinVar aggregate classification (germline): Uncertain significance (1 of 4 stars; one submission).

Conditions:
Developmental and epileptic encephalopathy, 11 (DEE11). Also called: Early infantile epileptic encephalopathy 11. Identifiers: Orphanet 1934, MedGen C3150987, MONDO:0013388, OMIM 613721.
Seizures, benign familial infantile, 3 (BFIS3). Also called: CONVULSIONS, BENIGN FAMILIAL INFANTILE, 3; Familial neonatal seizures. Identifiers: Orphanet 140927, Orphanet 306, MedGen C1843140, MONDO:0011904, OMIM 607745.

Submission:

Labcorp Genetics (formerly Invitae), Labcorp
Classification: Uncertain significance for Seizures, benign familial infantile, 3; Developmental and epileptic encephalopathy, 11. Last evaluated: 2025-01-23. Review status: criteria provided, single submitter. Criteria: Invitae Variant Classification Sherloc (09022015). Collection method: clinical testing. Allele origin: germline.
Comment: This sequence change replaces lysine, which is basic and polar, with glutamic acid, which is acidic and polar, at codon 1617 of the SCN2A protein (p.Lys1617Glu). This variant is not present in population databases (gnomAD no frequency). This variant has not been reported in the literature in individuals affected with SCN2A-related conditions. Invitae Evidence Modeling of protein sequence and biophysical properties (such as structural, functional, and spatial information, amino acid conservation, physicochemical variation, residue mobility, and thermodynamic stability) has been performed for this missense variant. However, the output from this modeling did not meet the statistical confidence thresholds required to predict the impact of this variant on SCN2A protein function. In summary, the available evidence is currently insufficient to determine the role of this variant in disease. Therefore, it has been classified as a Variant of Uncertain Significance.